The following is an entry in ClinVar:

NM_021008.4(DEAF1):c.1495C>T (p.Arg499Trp)

Genes: DEAF1 (DEAF1 transcription factor; minus strand), LOC126861109 (BRD4-independent group 4 enhancer GRCh37_chr11:673917-675116; plus strand). Cytogenetic location: 11p15.5.
Variant type: single nucleotide variant.
Coding change: c.1495C>T on transcript NM_021008.4 (MANE Select); coding-DNA position 1495, C replaced by T.
Protein change: p.Arg499Trp; replaces arginine 499 with tryptophan.
Molecular consequence: missense variant.
Genome position (GRCh38, 1-based): chr11:674,544, G>A on the plus strand (C>T on the coding strand, the complement: DEAF1 is on the minus strand). VCF-style: chr11-674544-G-A. GRCh37 (hg19) VCF-style: chr11-674544-G-A.
Other names: c.1228C>T, p.Arg410Trp (NM_001293634.2); c.769C>T, p.Arg257Trp (NM_001367390.1); short protein forms R410W, R499W, R257W.
Identifiers: ClinVar variation 2176220 (VCV002176220.5), dbSNP rs1564939939, ClinGen allele CA378923096.
Genomic context (GRCh38, chr11:674,544, plus strand): 5'-GGCCTGGGGTTACTCGGCACAGGTCGTGTCTTCCCATTTGTTCCAAGGTTACCTCCTTCC[G>A]CTCTGCGTCAGCGTGGATCTTGGCCTGGTTTGTGGCAGCTTCTCGGTAGGTGCTGGCATG-3'
Protein context (NP_066288.2, residues 489-509): NQAKIHADAE[Arg499Trp]KEQSCVNCGR

ClinVar aggregate classification (germline): Uncertain significance. Review status: criteria provided, multiple submitters, no conflicts (2 of 4 stars). 2 submissions from 2 submitters: Uncertain significance (2). Last evaluated 2024-02-23.

Allele frequency attached by ClinVar (database versions not stated): gnomAD exomes below 0.00001; TOPMed below 0.00001.
gnomAD v4.1: 5 of 1,614,072 alleles (0.00031%); highest among the groups gnomAD compares: Non-Finnish European, 0.00042%; no homozygotes.

Submissions (2):

Labcorp Genetics (formerly Invitae), Labcorp
Classification: Uncertain significance. Last evaluated: 2024-02-23. Review status: criteria provided, single submitter. Criteria: Invitae Variant Classification Sherloc (09022015). Collection method: clinical testing. Allele origin: germline.
Comment: This sequence change replaces arginine, which is basic and polar, with tryptophan, which is neutral and slightly polar, at codon 499 of the DEAF1 protein (p.Arg499Trp). This variant is not present in population databases (gnomAD no frequency). This variant has not been reported in the literature in individuals affected with DEAF1-related conditions. ClinVar contains an entry for this variant (Variation ID: 2176220). Advanced modeling of protein sequence and biophysical properties (such as structural, functional, and spatial information, amino acid conservation, physicochemical variation, residue mobility, and thermodynamic stability) has been performed at Invitae for this missense variant, however the output from this modeling did not meet the statistical confidence thresholds required to predict the impact of this variant on DEAF1 protein function. In summary, the available evidence is currently insufficient to determine the role of this variant in disease. Therefore, it has been classified as a Variant of Uncertain Significance.

Blueprint Genetics
Classification: Uncertain significance. Last evaluated: 2021-09-29. Review status: criteria provided, single submitter. Criteria: ACMG Guidelines, 2015. Collection method: clinical testing. Allele origin: germline.